The following is an entry in ClinVar:

ClinVar aggregate classification (germline): Likely pathogenic (1 of 4 stars; one submission).

Conditions:
Dilated cardiomyopathy 1G (CMD1G). Identifiers: Orphanet 154, MedGen C1858763, MONDO:0011400, OMIM 604145.
Autosomal recessive limb-girdle muscular dystrophy type 2J (LGMDR10). Also called: Limb-girdle muscular dystrophy, type 2J; MUSCULAR DYSTROPHY, LIMB-GIRDLE, AUTOSOMAL RECESSIVE 10. Identifiers: Orphanet 140922, MedGen C1837342, MONDO:0012127, OMIM 608807.

Submission:

Labcorp Genetics (formerly Invitae), Labcorp
Classification: Likely pathogenic for Dilated cardiomyopathy 1G; Autosomal recessive limb-girdle muscular dystrophy type 2J. Last evaluated: 2025-03-26. Review status: criteria provided, single submitter. Criteria: Invitae Variant Classification Sherloc (09022015). Collection method: clinical testing. Allele origin: germline.
Comment: This sequence change creates a premature translational stop signal (p.Gly1137Asnfs*3) in the TTN gene. While this is not anticipated to result in nonsense mediated decay, it is expected to create a truncated TTN protein. This variant is not present in population databases (gnomAD no frequency). This variant has not been reported in the literature in individuals affected with TTN-related conditions. ClinVar contains an entry for this variant (Variation ID: 1345365). This variant is located in the Z band of TTN (PMID: 25589632). Truncating variants in this region have been reported in individuals affected with autosomal recessive centronuclear myopathy (PMID: 33449170, internal data). Truncating variants in this region have also been identified in individuals affected with autosomal dominant dilated cardiomyopathy and/or cardio-related conditions (PMID: 27869827, 32964742, internal data). In summary, the currently available evidence indicates that the variant is pathogenic, but additional data are needed to prove that conclusively. Therefore, this variant has been classified as Likely Pathogenic.

Literature cited by the submitters: PubMed 25589632; PubMed 33449170; PubMed 27869827; PubMed 32964742.

NM_001267550.2(TTN):c.3404_3407dup (p.Gly1137fs)

Gene: TTN (titin; minus strand). Cytogenetic location: 2q31.2.
Variant type: Microsatellite.
Coding change: c.3404_3407dup on transcript NM_001267550.2 (MANE Select); coding-DNA positions 3404 to 3407, 4 bases duplicated (AAAC; older notation c.3404_3407dupAAAC).
Protein change: p.Gly1137fs; shifts the reading frame from glycine 1137.
Molecular consequence: frameshift variant.
Genome position (GRCh38, 1-based): chr2:178,781,237-178,781,240, GTTT duplicated on the plus strand (AAAC on the coding strand, the reverse complement: TTN is on the minus strand); duplicating any 4 consecutive bases within chr2:178,781,237-178,781,247 gives the same sequence; the c. name uses the placement nearest the transcript's 3' end. VCF-style (leftmost placement, unchanged base first): chr2-178781236-G-GGTTT. GRCh37 (hg19) VCF-style: chr2-179645963-G-GGTTT.
Other names: c.3404_3407dup, p.Gly1137fs (NM_001256850.1, NM_133378.4, NM_133379.5); c.3266_3269dup, p.Gly1091fs (NM_003319.4, NM_133432.3, NM_133437.4); short protein forms G1091fs, G1137fs.
Identifiers: ClinVar variation 1345365 (VCV001345365.8), dbSNP rs2154348982, ClinGen allele CA2579754012.